The following is an entry in ClinVar:

NM_001080467.3(MYO5B):c.272T>C (p.Val91Ala)

Gene: MYO5B (myosin VB; minus strand). Cytogenetic location: 18q21.1.
Variant type: single nucleotide variant.
Coding change: c.272T>C on transcript NM_001080467.3 (MANE Select); coding-DNA position 272, T replaced by C.
Protein change: p.Val91Ala; replaces valine 91 with alanine.
Molecular consequence: missense variant.
Genome position (GRCh38, 1-based): chr18:50,040,181, A>G on the plus strand (T>C on the coding strand, the complement: MYO5B is on the minus strand). VCF-style: chr18-50040181-A-G. GRCh37 (hg19) VCF-style: chr18-47566551-A-G.
Other names: short protein forms V91A.
Identifiers: ClinVar variation 889918 (VCV000889918.7), dbSNP rs1165303022, ClinGen allele CA402510262.
Genomic context (GRCh38, chr18:50,040,181, plus strand): 5'-CCAACAGATGCCCCCCACTTACCACAGTAAGTGTAGATATGGTTGGACTCCAGGAAACGG[A>G]CCTTCAAATTATGCAAAACTGCAGGCTCATGAAGATAGCTAAGGGCAGTCAGGTCATTTT-3'
Protein context (NP_001073936.1, residues 81-101): HEPAVLHNLK[Val91Ala]RFLESNHIYT

ClinVar aggregate classification (germline): Uncertain significance. Review status: criteria provided, multiple submitters, no conflicts (2 of 4 stars). 2 submissions from 2 submitters: Uncertain significance (2). Last evaluated 2022-02-10.

Conditions:
Congenital microvillous atrophy (DIAR2). Also called: MICROVILLUS ATROPHY, CONGENITAL; Microvillus inclusion disease; DAVIDSON DISEASE; CONGENITAL FAMILIAL PROTRACTED DIARRHEA WITH ENTEROCYTE BRUSH-BORDER ABNORMALITIES; Diarrhea 2 with microvillus atrophy, with or without cholestasis. Identifiers: Orphanet 2290, MedGen C0341306, MONDO:0009635, OMIM 251850.

Allele frequency attached by ClinVar (database versions not stated): TOPMed below 0.00001.

Submissions (2):

Labcorp Genetics (formerly Invitae), Labcorp
Classification: Uncertain significance. Last evaluated: 2022-02-10. Review status: criteria provided, single submitter. Criteria: Invitae Variant Classification Sherloc (09022015). Collection method: clinical testing. Allele origin: germline.
Comment: Algorithms developed to predict the effect of missense changes on protein structure and function are either unavailable or do not agree on the potential impact of this missense change (SIFT: "Deleterious"; PolyPhen-2: "Possibly Damaging"; Align-GVGD: "Class C0"). In summary, the available evidence is currently insufficient to determine the role of this variant in disease. Therefore, it has been classified as a Variant of Uncertain Significance. ClinVar contains an entry for this variant (Variation ID: 889918). This variant has not been reported in the literature in individuals affected with MYO5B-related conditions. This variant is not present in population databases (gnomAD no frequency). This sequence change replaces valine, which is neutral and non-polar, with alanine, which is neutral and non-polar, at codon 91 of the MYO5B protein (p.Val91Ala).

Illumina Laboratory Services, Illumina
Classification: Uncertain significance for Congenital microvillous atrophy. Last evaluated: 2018-01-12. Review status: criteria provided, single submitter. Criteria: ICSL Variant Classification Criteria 13 December 2019. Collection method: clinical testing. Allele origin: germline.